The following is an entry in ClinVar:

NM_000053.4(ATP7B):c.1873A>G (p.Ile625Val)

Gene: ATP7B (ATPase copper transporting beta; minus strand). Cytogenetic location: 13q14.3.
Variant type: single nucleotide variant.
Coding change: c.1873A>G on transcript NM_000053.4 (MANE Select); coding-DNA position 1873, A replaced by G.
Protein change: p.Ile625Val; replaces isoleucine 625 with valine.
Molecular consequence: missense variant. On other transcripts: intron variant (2).
Genome position (GRCh38, 1-based): chr13:51,961,910, T>C on the plus strand (A>G on the coding strand, the complement: ATP7B is on the minus strand). VCF-style: chr13-51961910-T-C. GRCh37 (hg19) VCF-style: chr13-52536046-T-C.
Other names: p.Ile625Val; c.1869+2962A>G (NM_001330579.2, NM_001005918.3); c.1540A>G, p.Ile514Val (NM_001243182.2); c.1873A>G, p.Ile625Val (NM_001330578.2); short protein forms I514V, I625V.
Identifiers: ClinVar variation 1401896 (VCV001401896.11), dbSNP rs778963465, ClinGen allele CA250060827.

ClinVar aggregate classification (germline): Uncertain significance. Review status: criteria provided, multiple submitters, no conflicts (2 of 4 stars). 4 submissions from 4 submitters: Uncertain significance (4). Last evaluated 2025-08-19.

Conditions:
Wilson disease (WND). Also called: Wilson's disease. Identifiers: Orphanet 905, MedGen C0019202, MONDO:0010200, OMIM 277900. Disease mechanism: loss of function.

Allele frequency attached by ClinVar (database versions not stated): gnomAD exomes 0.00001 and 0.00004; gnomAD 0.00002 and 0.00003; TOPMed 0.00002.
gnomAD v4.1: 59 of 1,613,454 alleles (0.0037%); highest among the groups gnomAD compares: Non-Finnish European, 0.0048%; no homozygotes.

Submissions (4):

Color Diagnostics, LLC DBA Color Health
Classification: Uncertain significance for Wilson disease. Last evaluated: 2025-08-19. Review status: criteria provided, single submitter. Criteria: ACMG Guidelines, 2015. Collection method: clinical testing. Allele origin: germline.
Comment: This missense variant replaces isoleucine with valine at codon 625 of the ATP7B protein. Computational prediction suggests that this variant may not impact protein structure and function. To our knowledge, functional studies have not been reported for this variant. This variant has not been reported in individuals affected with ATP7B-related disorders in the literature. This variant has been identified in 3/249522 chromosomes in the general population by the Genome Aggregation Database (gnomAD). The available evidence is insufficient to determine the role of this variant in disease conclusively. Therefore, this variant is classified as a Variant of Uncertain Significance.

Mayo Clinic Laboratories, Mayo Clinic
Classification: Uncertain significance. Last evaluated: 2024-12-23. Review status: criteria provided, single submitter. Criteria: ACMG Guidelines, 2015. Collection method: clinical testing. Allele origin: germline. Observed: 2 variant alleles.
Comment: BP4, PM2_supporting

Labcorp Genetics (formerly Invitae), Labcorp
Classification: Uncertain significance for Wilson disease. Last evaluated: 2022-04-11. Review status: criteria provided, single submitter. Criteria: Invitae Variant Classification Sherloc (09022015). Collection method: clinical testing. Allele origin: germline.
Comment: This sequence change replaces isoleucine, which is neutral and non-polar, with valine, which is neutral and non-polar, at codon 625 of the ATP7B protein (p.Ile625Val). This variant is present in population databases (rs778963465, gnomAD 0.003%). This variant has not been reported in the literature in individuals affected with ATP7B-related conditions. Advanced modeling of protein sequence and biophysical properties (such as structural, functional, and spatial information, amino acid conservation, physicochemical variation, residue mobility, and thermodynamic stability) performed at Invitae indicates that this missense variant is not expected to disrupt ATP7B protein function. Algorithms developed to predict the effect of sequence changes on RNA splicing suggest that this variant may create or strengthen a splice site. In summary, the available evidence is currently insufficient to determine the role of this variant in disease. Therefore, it has been classified as a Variant of Uncertain Significance.

Fulgent Genetics
Classification: Uncertain significance for Wilson disease. Last evaluated: 2021-10-06. Review status: criteria provided, single submitter. Criteria: ACMG Guidelines, 2015. Collection method: clinical testing. Allele origin: unknown.